The following is an entry in ClinVar:

NM_001079802.2(FKTN):c.770C>G (p.Ala257Gly)

Gene: FKTN (fukutin; plus strand). Cytogenetic location: 9q31.2.
Variant type: single nucleotide variant.
Coding change: c.770C>G on transcript NM_001079802.2 (MANE Select); coding-DNA position 770, C replaced by G.
Protein change: p.Ala257Gly; replaces alanine 257 with glycine.
Molecular consequence: missense variant. On other transcripts: non-coding transcript variant (2).
Genome position (GRCh38, 1-based): chr9:105,607,941, C>G. VCF-style: chr9-105607941-C-G. GRCh37 (hg19) VCF-style: chr9-108370222-C-G.
Other names: c.770C>G, p.Ala257Gly (NM_001198963.2, NM_001351496.2, NM_001351498.2 and 1 more transcripts); c.701C>G, p.Ala234Gly (NM_001351497.2); c.374C>G, p.Ala125Gly (NM_001351499.2, NM_001351500.2, NM_001351501.2 and 1 more transcripts); short protein forms A234G, A257G, A125G.
Identifiers: ClinVar variation 4257887 (VCV004257887.2).

ClinVar aggregate classification (germline): Uncertain significance (1 of 4 stars; one submission).

Conditions:
Cardiovascular phenotype. Identifiers: MedGen CN230736.

gnomAD v4.1: 2 of 1,611,522 alleles (0.00012%); no homozygotes.

Submission:

Ambry Genetics
Classification: Uncertain significance for Cardiovascular phenotype. Last evaluated: 2026-03-29. Review status: criteria provided, single submitter. Criteria: Ambry Variant Classification Scheme 2023. Collection method: clinical testing. Allele origin: germline.
Comment: The p.A257G variant (also known as c.770C>G), located in coding exon 5 of the FKTN gene, results from a C to G substitution at nucleotide position 770. The alanine at codon 257 is replaced by glycine, an amino acid with similar properties. This amino acid position is conserved. In addition, the in silico prediction for this alteration is inconclusive. Based on the available evidence, the clinical significance of this variant remains unclear.